The following is an entry in ClinVar:

NM_000543.5(SMPD1):c.1550A>T (p.Glu517Val)

Gene: SMPD1 (sphingomyelin phosphodiesterase 1; plus strand). Cytogenetic location: 11p15.4.
Variant type: single nucleotide variant.
Coding change: c.1550A>T on transcript NM_000543.5 (MANE Select); coding-DNA position 1550, A replaced by T.
Protein change: p.Glu517Val; replaces glutamic acid 517 with valine.
Molecular consequence: missense variant. On other transcripts: 3 prime UTR variant (1), non-coding transcript variant (2).
Genome position (GRCh38, 1-based): chr11:6,394,261, A>T. VCF-style: chr11-6394261-A-T. GRCh37 (hg19) VCF-style: chr11-6415491-A-T.
Other names: c.1547A>T, p.Glu516Val (NM_001007593.3); c.*43A>T (NM_001318087.2); c.629A>T, p.Glu210Val (NM_001318088.2); c.1418A>T, p.Glu473Val (NM_001365135.2); short protein forms E517V, E473V, E516V, E210V.
Identifiers: ClinVar variation 198094 (VCV000198094.85), dbSNP rs142787001, ClinGen allele CA246589.
Genomic context (GRCh38, chr11:6,394,261, plus strand): 5'-ACCGTGTGTACCAAATAGATGGAAACTACTCCGGGAGCTCTCACGTGGTCCTGGACCATG[A>T]GACCTACATCCTGAATCTGACCCAGGCAAACATACCGGGAGCCATACCGCACTGGCAGCT-3'
Protein context (NP_000534.3, residues 507-527): SGSSHVVLDH[Glu517Val]TYILNLTQAN

ClinVar aggregate classification (germline): Conflicting classifications of pathogenicity. Review status: criteria provided, conflicting classifications (1 of 4 stars). 18 submissions from 18 submitters: Likely pathogenic (1); Uncertain significance (7); Likely benign (5). 5 of the submissions do not count toward it. Last evaluated 2026-09-01.

Conditions:
SMPD1-related disorder. Also called: SMPD1-related condition.
Niemann-Pick disease, type A. Also called: SPHINGOMYELIN LIPIDOSIS; SPHINGOMYELINASE DEFICIENCY; Infantile Neurovisceral ASMD (Niemann-Pick Disease Type A; NPD-A). Identifiers: Orphanet 77292, MedGen C0268242, MONDO:0009756, OMIM 257200. Disease mechanism: loss of function.
Niemann-Pick disease, type B. Also called: Chronic Visceral ASMD (Niemann-Pick Disease Type B; NPD-B). Identifiers: Orphanet 77293, MedGen C0268243, MONDO:0011871, OMIM 607616. Disease mechanism: loss of function.
Sphingomyelin/cholesterol lipidosis. Also called: Niemann-Pick disease. Identifiers: MedGen C0028064, MONDO:0001982.

Allele frequency attached by ClinVar (database versions not stated): 1000 Genomes Project 0.00140; 1000 Genomes Project 30x 0.00203; gnomAD exomes 0.00229 and 0.00336; ExAC 0.00231; TOPMed 0.00250; gnomAD 0.00268 and 0.00284; ESP Exome Variant Server 0.00323.
gnomAD v4.1: 5,315 of 1,614,192 alleles (0.33%); highest among the groups gnomAD compares: Non-Finnish European, 0.4%; 11 homozygotes.

Submissions 1 to 14 of 18:

CeGaT Center for Human Genetics Tuebingen
Classification: Likely benign. Last evaluated: 2026-09-01. Review status: criteria provided, single submitter. Criteria: CeGaT Center For Human Genetics Tuebingen Variant Classification Criteria Version 2. Collection method: clinical testing. Allele origin: germline. Affected: yes. Observed: 5 variant alleles.
Comment: SMPD1: BS2

Labcorp Genetics (formerly Invitae), Labcorp
Classification: Likely benign for Niemann-Pick disease, type B; Niemann-Pick disease, type A. Last evaluated: 2026-02-04. Review status: criteria provided, single submitter. Criteria: Invitae Variant Classification Sherloc (09022015). Collection method: clinical testing. Allele origin: germline.

GeneDx
Classification: Uncertain significance. Last evaluated: 2025-10-13. Review status: criteria provided, single submitter. Criteria: GeneDx Variant Classification Process June 2021. Collection method: clinical testing. Allele origin: germline. Affected: yes.
Comment: Reported as E515V due to the use of alternative nomenclature in association with Niemann-Pick disease; however, additional information was not provided (PMID: 12369017); Reported in association with Parkinson disease; however, additional information was not provided and the variant was observed in unaffected control individuals (PMID: 29140481); In silico analysis supports that this missense variant has a deleterious effect on protein structure/function; This variant is associated with the following publications: (PMID: 25933391, 31122880, 23430949, 26049896, 34426522, 35747619, 30788890, 12369017, 29140481, 38933898, 24767253)

Women's Health and Genetics/Laboratory Corporation of America, LabCorp
Classification: Likely benign. Last evaluated: 2025-09-15. Review status: criteria provided, single submitter. Criteria: LabCorp Variant Classification Summary - May 2015. Collection method: clinical testing. Allele origin: germline.
Comment: Variant summary: SMPD1 c.1550A>T (p.Glu517Val) results in a non-conservative amino acid change in the encoded protein sequence. Algorithms developed to predict the effect of missense changes on protein structure and function are either unavailable or do not agree on the potential impact of this missense change. The variant allele was found at a frequency of 0.0023 in 251358 control chromosomes, predominantly at a frequency of 0.0037 within the Non-Finnish European subpopulation in the gnomAD database, including 1 homozygote. The observed variant frequency within Non-Finnish European control individuals in the gnomAD database exceeds the estimated maximal expected allele frequency for disease-causing variants in SMPD1. 1550A>T has been reported in the literature in individuals affected with Niemann-Pick Disease Type A without strong evidence for causality (e.g. Wittmann_2012, Wasserstein_2015, Simonaro_2002, Zampieri_2015, Clark_2015). These report(s) do not provide unequivocal conclusions about association of the variant with SMPD1-related conditions. To our knowledge, no experimental evidence demonstrating an impact on protein function has been reported. The following publications have been ascertained in the context of this evaluation (PMID: 25933391, 24767253, 12369017, 26049896, 23430949, 26499107, 38933898, 27725636, 30788890, 38866761, 29140481, 38782304, 34426522, 35262230, 33925997, 35330074, 24448499, 35747619, 33340101, 38137339, 27435900, 31122880). ClinVar contains an entry for this variant (Variation ID: 198094). Based on the evidence outlined above, the variant was classified as likely benign.

Blueprint Genetics
Classification: Likely benign. Last evaluated: 2024-11-26. Review status: criteria provided, single submitter. Criteria: ACMG Guidelines, 2015. Collection method: clinical testing. Allele origin: germline.

Department of Pathology and Laboratory Medicine, Sinai Health System
Classification: Uncertain significance for Niemann-Pick disease, type A; Niemann-Pick disease, type B. Last evaluated: 2023-07-25. Review status: criteria provided, single submitter. Criteria: ACMG Guidelines, 2015. Collection method: research. Allele origin: germline.

Mayo Clinic Laboratories, Mayo Clinic
Classification: Uncertain significance. Last evaluated: 2023-02-28. Review status: criteria provided, single submitter. Criteria: ACMG Guidelines, 2015. Collection method: clinical testing. Allele origin: germline. Observed: 4 variant alleles.
Comment: BS1, PP3

Broad Center for Mendelian Genomics, Broad Institute of MIT and Harvard
Classification: Uncertain significance for Sphingomyelin/cholesterol lipidosis. Last evaluated: 2020-01-22. Review status: criteria provided, single submitter. Criteria: ACMG Guidelines, 2015. Collection method: curation. Allele origin: germline. Inheritance: Autosomal recessive inheritance.
Comment: The p.Glu517Val variant in SMPD1 (also known as p.Glu515Val due to a difference in cDNA numbering) has been reported in at least 2 individuals with Niemann-Pick disease (PMID: 23430949, 26049896) and has been identified in 0.410% (529/129080) of European (non-Finnish) chromosomes, including 2 homozygotes, 0.192% (68/35430) of Latino chromosomes, and 0.108% (27/24970) of African chromosomes by the Genome Aggregation Database (gnomAD; dbSNP rs142787001). This variant has also been reported in ClinVar (VariationID: 198094) as likely benign by EGL Genetic Diagnostics and as a VUS by ARUP Laboratories and Integrated Genetics. Computational prediction tools and conservation analyses suggest that this variant may impact the protein, though this information is not predictive enough to determine pathogenicity. The presence of this variant in combination with a reported pathogenic variant and in an individual with Niemann-Pick disease increases the likelihood that the p.Glu517Val variant is pathogenic (VariationID: 2994; PMID: 23430949). In summary, the clinical significance of the p.Glu517Val variant is uncertain. ACMG/AMP Criteria applied: BS1, PP3, PM3_Supporting (Richards 2015).

CENTOGENE GmbH and LLC - Guiding Precision Medicine
Classification: Uncertain significance for Niemann-Pick disease, type B. Last evaluated: 2018-06-11. Review status: criteria provided, single submitter. Criteria: ACMG Guidelines, 2015. Collection method: clinical testing. Allele origin: germline.

Illumina Laboratory Services, Illumina
Classification: Uncertain significance for Niemann-Pick disease, type A. Last evaluated: 2017-04-27. Review status: criteria provided, single submitter. Criteria: ICSL Variant Classification Criteria 13 December 2019. Collection method: clinical testing. Allele origin: germline.

Eurofins Ntd Llc (ga)
Classification: Likely benign. Last evaluated: 2017-01-06. Review status: criteria provided, single submitter. Criteria: EGL Classification Definitions 2015. Collection method: clinical testing. Allele origin: germline. Observed: 10 variant alleles, 10 heterozygotes.

ARUP Laboratories, Molecular Genetics and Genomics, ARUP Laboratories
Classification: Uncertain significance. Review status: criteria provided, single submitter. Criteria: ARUP Molecular Germline Variant Investigation Process 2024. Collection method: clinical testing. Allele origin: germline.
Comment: The p.Glu517Val variant was reported in a patient with clinical diagnosis of Niemann-Pick type B (reported as E515V in Simonaro 2002). However, there was no clear information available in this publication if a second SMPD1 variant was identified in the particular patient. p.Glu517Val variant was also reported in a heterozygous form in an individual with low clinical suspicion for lysosomal storage disorder (Fernandez-Mamiesse 2014) and in a brain autopsy sample with confirmed Lewy body disease (Clark 2015). This variant (rs142787001) is listed in the Exome Aggregation Consortium Browser at an allele frequency of 0.3 percent (identified in 221 out of 66,726 chromosomes) in non-Finnish European populations. This variant was also identified by another laboratory with current classification of uncertain significance in ClinVar Database. Glutamic acid 517 is moderately conserved considering 12 species (Alamut software v.2.7.1) and computational prediction programs support the impact on the protein (SIFT: damaging, PolyPhen-2: probably damaging, and MutationTaster: disease causing). Based on the available information, there is not enough evidence to determine the clinical significance of the p.Glu517Val variant with certainty.

Clinical Genetics Service, Universitary Hospital 12 de Octubre
Classification: Likely pathogenic for Niemann-Pick disease, type A. Review status: criteria provided, single submitter. Criteria: ACMG Guidelines, 2015. Collection method: clinical testing. Allele origin: maternal. Affected: yes.

PreventionGenetics, part of Exact Sciences
Classification: Likely benign for SMPD1-related condition. Last evaluated: 2022-02-03. Review status: no assertion criteria provided. Collection method: clinical testing. Allele origin: germline. Not counted in ClinVar's aggregate classification.
Comment: This variant is classified as likely benign based on ACMG/AMP sequence variant interpretation guidelines (Richards et al. 2015 PMID: 25741868, with internal and published modifications).